The following is an entry in ClinVar:

NM_000051.4(ATM):c.6657T>A (p.Phe2219Leu)

Genes: ATM (ATM serine/threonine kinase; plus strand), C11orf65 (chromosome 11 open reading frame 65; minus strand). Cytogenetic location: 11q22.3.
Variant type: single nucleotide variant.
Coding change: c.6657T>A on transcript NM_000051.4 (MANE Select); coding-DNA position 6657, T replaced by A.
Protein change: p.Phe2219Leu; replaces phenylalanine 2219 with leucine.
Molecular consequence: missense variant. On other transcripts: intron variant (2).
Genome position (GRCh38, 1-based): chr11:108,325,394, T>A. VCF-style: chr11-108325394-T-A. GRCh37 (hg19) VCF-style: chr11-108196121-T-A.
Other names: c.6657T>A, p.Phe2219Leu (NM_001351834.2); c.641-16323A>T (NM_001330368.2); c.*38+9826A>T (NM_001351110.2); short protein forms F2219L.
Identifiers: ClinVar variation 3720470 (VCV003720470.3).

ClinVar aggregate classification (germline): Uncertain significance. Review status: criteria provided, multiple submitters, no conflicts (2 of 4 stars). 2 submissions from 2 submitters: Uncertain significance (2). Last evaluated 2025-01-03.

Conditions:
Ataxia-telangiectasia syndrome (AT). Also called: Ataxia-telangiectasia, complementation group D; AT, COMPLEMENTATION GROUP C; ATAXIA-TELANGIECTASIA, COMPLEMENTATION GROUP A; ATAXIA-TELANGIECTASIA, FRESNO VARIANT; Ataxia-telangiectasia; Ataxia-telangiectasia, complementation group E. Identifiers: Orphanet 100, MedGen C0004135, MONDO:0008840, OMIM 208900.
Hereditary cancer-predisposing syndrome. Also called: Neoplastic Syndromes, Hereditary; Tumor predisposition; Hereditary Cancer Syndrome; Hereditary neoplastic syndrome. Identifiers: Orphanet 140162, MedGen C0027672, MeSH D009386, MONDO:0015356.

Submissions (2):

Ambry Genetics
Classification: Uncertain significance for Hereditary cancer-predisposing syndrome. Last evaluated: 2025-01-03. Review status: criteria provided, single submitter. Criteria: Ambry Variant Classification Scheme 2023. Collection method: clinical testing. Allele origin: germline.
Comment: The p.F2219L variant (also known as c.6657T>A), located in coding exon 45 of the ATM gene, results from a T to A substitution at nucleotide position 6657. The phenylalanine at codon 2219 is replaced by leucine, an amino acid with highly similar properties. This amino acid position is conserved. In addition, this alteration is predicted to be tolerated by in silico analysis. Based on the available evidence, the clinical significance of this variant remains unclear.

Labcorp Genetics (formerly Invitae), Labcorp
Classification: Uncertain significance for Ataxia-telangiectasia syndrome. Last evaluated: 2024-11-02. Review status: criteria provided, single submitter. Criteria: Invitae Variant Classification Sherloc (09022015). Collection method: clinical testing. Allele origin: germline.
Comment: This sequence change replaces phenylalanine, which is neutral and non-polar, with leucine, which is neutral and non-polar, at codon 2219 of the ATM protein (p.Phe2219Leu). This variant is not present in population databases (gnomAD no frequency). This variant has not been reported in the literature in individuals affected with ATM-related conditions. Invitae Evidence Modeling of protein sequence and biophysical properties (such as structural, functional, and spatial information, amino acid conservation, physicochemical variation, residue mobility, and thermodynamic stability) indicates that this missense variant is not expected to disrupt ATM protein function with a negative predictive value of 95%. In summary, the available evidence is currently insufficient to determine the role of this variant in disease. Therefore, it has been classified as a Variant of Uncertain Significance.